The following is an entry in ClinVar:

NM_031935.3(HMCN1):c.15940A>C (p.Met5314Leu)

Gene: HMCN1 (hemicentin 1; plus strand). Cytogenetic location: 1q31.1.
Variant type: single nucleotide variant.
Coding change: c.15940A>C on transcript NM_031935.3 (MANE Select); coding-DNA position 15940, A replaced by C.
Protein change: p.Met5314Leu; replaces methionine 5314 with leucine.
Molecular consequence: missense variant.
Genome position (GRCh38, 1-based): chr1:186,174,639, A>C. VCF-style: chr1-186174639-A-C. GRCh37 (hg19) VCF-style: chr1-186143771-A-C.
Other names: short protein forms M5314L.
Identifiers: ClinVar variation 2116430 (VCV002116430.4), dbSNP rs533893133, ClinGen allele CA343935914.

ClinVar aggregate classification (germline): Uncertain significance (1 of 4 stars; one submission).

Submission:

Labcorp Genetics (formerly Invitae), Labcorp
Classification: Uncertain significance. Last evaluated: 2022-03-24. Review status: criteria provided, single submitter. Criteria: Invitae Variant Classification Sherloc (09022015). Collection method: clinical testing. Allele origin: germline.
Comment: This sequence change replaces methionine, which is neutral and non-polar, with leucine, which is neutral and non-polar, at codon 5314 of the HMCN1 protein (p.Met5314Leu). This variant is present in population databases (no rsID available, gnomAD 0.007%). In summary, the available evidence is currently insufficient to determine the role of this variant in disease. Therefore, it has been classified as a Variant of Uncertain Significance. Algorithms developed to predict the effect of missense changes on protein structure and function output the following: SIFT: "Tolerated"; PolyPhen-2: "Benign"; Align-GVGD: "Class C0". The leucine amino acid residue is found in multiple mammalian species, which suggests that this missense change does not adversely affect protein function. This variant has not been reported in the literature in individuals affected with HMCN1-related conditions.